The following is an entry in ClinVar:

ClinVar aggregate classification (germline): Uncertain significance. Review status: criteria provided, multiple submitters, no conflicts (2 of 4 stars). 2 submissions from 2 submitters: Uncertain significance (2). Last evaluated 2020-12-06.

Conditions:
Hereditary cancer-predisposing syndrome. Also called: Hereditary Cancer Syndrome; Neoplastic Syndromes, Hereditary; Tumor predisposition; Hereditary neoplastic syndrome. Identifiers: Orphanet 140162, MedGen C0027672, MeSH D009386, MONDO:0015356.
Ataxia-telangiectasia syndrome (AT). Also called: Ataxia telangiectasia (A-T); Ataxia-telangiectasia, complementation group E; LOUIS-BAR SYNDROME; Cerebello-oculocutaneous telangiectasia; Immunodeficiency with ataxia telangiectasia; Ataxia-telangiectasia, complementation group D. Identifiers: Orphanet 100, MedGen C0004135, MONDO:0008840, OMIM 208900.

Submissions (2):

Labcorp Genetics (formerly Invitae), Labcorp
Classification: Uncertain significance for Ataxia-telangiectasia syndrome. Last evaluated: 2020-12-06. Review status: criteria provided, single submitter. Criteria: Invitae Variant Classification Sherloc (09022015). Collection method: clinical testing. Allele origin: germline.
Comment: This sequence change replaces lysine with asparagine at codon 1550 of the ATM protein (p.Lys1550Asn). The lysine residue is moderately conserved and there is a moderate physicochemical difference between lysine and asparagine. In summary, the available evidence is currently insufficient to determine the role of this variant in disease. Therefore, it has been classified as a Variant of Uncertain Significance. Advanced modeling of protein sequence and biophysical properties (such as structural, functional, and spatial information, amino acid conservation, physicochemical variation, residue mobility, and thermodynamic stability) performed at Invitae indicates that this missense variant is not expected to disrupt ATM protein function. This variant has not been reported in the literature in individuals with ATM-related conditions. ClinVar contains an entry for this variant (Variation ID: 232809). This variant is not present in population databases (ExAC no frequency).

Ambry Genetics
Classification: Uncertain significance for Hereditary cancer-predisposing syndrome. Last evaluated: 2015-07-08. Review status: criteria provided, single submitter. Criteria: Ambry Variant Classification Scheme 2023. Collection method: clinical testing. Allele origin: germline.
Comment: The p.K1550N variant (also known as c.4650G>T), located in coding exon 30 of the ATM gene, results from a G to T substitution at nucleotide position 4650. The lysine at codon 1550 is replaced by asparagine, an amino acid with similar properties. This amino acid position is well conserved in available vertebrate species. In addition, this alteration is predicted to be tolerated by in silico analysis. Since supporting evidence is limited at this time, the clinical significance of this alteration remains unclear.

NM_000051.4(ATM):c.4650G>T (p.Lys1550Asn)

Gene: ATM (ATM serine/threonine kinase; plus strand). Cytogenetic location: 11q22.3.
Variant type: single nucleotide variant.
Coding change: c.4650G>T on transcript NM_000051.4 (MANE Select); coding-DNA position 4650, G replaced by T.
Protein change: p.Lys1550Asn; replaces lysine 1550 with asparagine.
Molecular consequence: missense variant.
Genome position (GRCh38, 1-based): chr11:108,293,351, G>T. VCF-style: chr11-108293351-G-T. GRCh37 (hg19) VCF-style: chr11-108164078-G-T.
Other names: c.4650G>T, p.Lys1550Asn (NM_001351834.2); short protein forms K1550N.
Identifiers: ClinVar variation 232809 (VCV000232809.13), dbSNP rs876660003, ClinGen allele CA10579159.